The following is an entry in ClinVar:

ClinVar aggregate classification (germline): Likely benign. Review status: criteria provided, multiple submitters, no conflicts (2 of 4 stars). 2 submissions from 2 submitters: Likely benign (2). Last evaluated 2025-10-26.

Conditions:
PAFAH1B1-related disorder. Also called: PAFAH1B1-related condition.

Allele frequency attached by ClinVar (database versions not stated): gnomAD exomes 0.00001 and 0.00002; ExAC 0.00002; gnomAD 0.00002; TOPMed 0.00002; ESP Exome Variant Server 0.00008.
gnomAD v4.1: 18 of 1,613,836 alleles (0.0011%); highest among the groups gnomAD compares: Admixed American, 0.0067%; no homozygotes.

Submissions (2):

Labcorp Genetics (formerly Invitae), Labcorp
Classification: Likely benign. Last evaluated: 2025-10-26. Review status: criteria provided, single submitter. Criteria: Invitae Variant Classification Sherloc (09022015). Collection method: clinical testing. Allele origin: germline.

PreventionGenetics, part of Exact Sciences
Classification: Likely benign for PAFAH1B1-related condition. Last evaluated: 2025-06-04. Review status: criteria provided, single submitter. Criteria: ACMG Guidelines, 2015. Collection method: clinical testing. Allele origin: germline.
Comment: This variant is classified as likely benign based on ACMG/AMP sequence variant interpretation guidelines (Richards et al. 2015 PMID: 25741868, with internal and published modifications).

NM_000430.4(PAFAH1B1):c.240G>A (p.Thr80=)

Gene: PAFAH1B1 (platelet activating factor acetylhydrolase 1b regulatory subunit 1; plus strand). Cytogenetic location: 17p13.3.
Variant type: single nucleotide variant.
Coding change: c.240G>A on transcript NM_000430.4 (MANE Select); coding-DNA position 240, G replaced by A.
Protein change: p.Thr80=; no amino-acid change (threonine 80 retained).
Molecular consequence: synonymous variant.
Genome position (GRCh38, 1-based): chr17:2,667,039, G>A. VCF-style: chr17-2667039-G-A. GRCh37 (hg19) VCF-style: chr17-2570333-G-A.
Other names: c.240G>A (NM_000430.3).
Identifiers: ClinVar variation 1101428 (VCV001101428.8), dbSNP rs150901708, ClinGen allele CA8283156.
Genomic context (GRCh38, chr17:2,667,039, plus strand): 5'-GTTCTTTTTCAAGGTTATGGAATTAGAATCAAAGCTAAATGAAGCAAAAGAAGAATTTAC[G>A]TCAGGTGGACCTCTTGGTCAGAAACGAGACCCAAAAGAATGGATTCCCCGTCCGCCAGAA-3'
Protein context (NP_000421.1, residues 70-90): SKLNEAKEEF[Thr80=]SGGPLGQKRD